The following is an entry in ClinVar:

Conditions:
Arteriohepatic dysplasia. Also called: Alagille Syndrome. Identifiers: Orphanet 52, MedGen C0085280, MeSH D016738, MONDO:0007318.

Submission:

Gilbert/Spinner Lab, Children's Hospital of Philadelphia
No classification provided (evidence only). Condition: Alagille syndrome. Review status: no classification provided. Collection method: research. Allele origin: not applicable. Functional consequence: functionally_abnormal.
ClinVar note: "not provided" was previously submitted as the classification for the variant. However, the classification appeared to be based only on an observation of functional data so it was converted to no classification on 2025-07-30.

NM_000214.3(JAG1):c.371T>G (p.Phe124Cys)

Gene: JAG1 (jagged canonical Notch ligand 1; minus strand). Cytogenetic location: 20p12.2.
Variant type: single nucleotide variant.
Coding change: c.371T>G on transcript NM_000214.3 (MANE Select); coding-DNA position 371, T replaced by G.
Protein change: p.Phe124Cys; replaces phenylalanine 124 with cysteine.
Molecular consequence: missense variant.
Genome position (GRCh38, 1-based): chr20:10,672,717, A>C on the plus strand (T>G on the coding strand, the complement: JAG1 is on the minus strand). VCF-style: chr20-10672717-A-C. GRCh37 (hg19) VCF-style: chr20-10653365-A-C.
Other names: short protein forms F124C.
Identifiers: ClinVar variation 3573280 (VCV003573280.2).